The following is an entry in ClinVar:

NM_007294.4(BRCA1):c.5554A>C (p.Thr1852Pro)

Gene: BRCA1 (BRCA1 DNA repair associated; minus strand). Cytogenetic location: 17q21.31.
Variant type: single nucleotide variant.
Coding change: c.5554A>C on transcript NM_007294.4 (MANE Select); coding-DNA position 5554, A replaced by C.
Protein change: p.Thr1852Pro; replaces threonine 1852 with proline.
Molecular consequence: missense variant. On other transcripts: 3 prime UTR variant (1), non-coding transcript variant (1).
Genome position (GRCh38, 1-based): chr17:43,045,716, T>G on the plus strand (A>C on the coding strand, the complement: BRCA1 is on the minus strand). VCF-style: chr17-43045716-T-G. GRCh37 (hg19) VCF-style: chr17-41197733-T-G.
Other names: c.5341A>C, p.Thr1781Pro (NM_001407571.1, NM_001407907.1, NM_001407908.1 and 12 more transcripts); c.5620A>C, p.Thr1874Pro (NM_001407581.1, NM_001407582.1); c.5617A>C, p.Thr1873Pro (NM_001407583.1, NM_001407585.1, NM_001407587.1 and 1 more transcripts); c.5614A>C, p.Thr1872Pro (NM_001407590.1, NM_001407591.1); c.5554A>C, p.Thr1852Pro (NM_001407593.1, NM_001407594.1, NM_001407596.1 and 5 more transcripts); c.5551A>C, p.Thr1851Pro (NM_001407613.1, NM_001407614.1, NM_001407615.1 and 14 more transcripts); c.5548A>C, p.Thr1850Pro (NM_001407632.1, NM_001407633.1, NM_001407634.1 and 13 more transcripts); c.5476A>C, p.Thr1826Pro (NM_001407654.1, NM_001407655.1, NM_001407652.1 and 1 more transcripts); and 74 more; short protein forms T1852P, T1873P, T1805P, T748P, T1683P, T1739P, T1741P, T1782P.
Identifiers: ClinVar variation 869039 (VCV000869039.3), dbSNP rs1555574370, ClinGen allele CA10590213.
Genomic context (GRCh38, chr17:43,045,716, plus strand): 5'-CTGTACCTGTGGCTGGCTGCAGTCAGTAGTGGCTGTGGGGGATCTGGGGTATCAGGTAGG[T>G]GTCCAGCTCCTGGCACTGGTAGAGTGCTACACTGTCCAACACCCACTCTCGGGTCACCAC-3'
Protein context (NP_009225.1, residues 1842-1862): VALYQCQELD[Thr1852Pro]YLIPQIPHSH

Conditions:
Breast-ovarian cancer, familial, susceptibility to, 1 (BROVCA1). Also called: BRCA1 Hereditary Breast and Ovarian Cancer; OVARIAN CANCER, SUSCEPTIBILITY TO. Identifiers: Orphanet 145, MedGen C2676676, MONDO:0011450, OMIM 604370. Disease mechanism: loss of function.

Submission:

Brotman Baty Institute, University of Washington
No classification provided (evidence only). Condition: Breast-ovarian cancer, familial 1. Review status: no classification provided. Collection method: in vitro. Allele origin: not applicable. Functional consequence: functionally_normal.
ClinVar note: "not provided" was previously submitted as the classification for the variant. However, the classification appeared to be based only on an observation of functional data so it was converted to no classification on 2025-07-30.